The following is an entry in ClinVar:

ClinVar aggregate classification (germline): Uncertain significance. Review status: criteria provided, multiple submitters, no conflicts (2 of 4 stars). 2 submissions from 2 submitters: Uncertain significance (2). Last evaluated 2025-02-22.

Conditions:
Inborn genetic diseases. Identifiers: MedGen C0950123, MeSH D030342.
Glycogen storage disease IXc (GSD9C). Also called: GSD IXc. Identifiers: Orphanet 264580, MedGen C2751643, MONDO:0013091, OMIM 613027.

Allele frequency attached by ClinVar (database versions not stated): TOPMed below 0.00001; gnomAD 0.00001; gnomAD exomes 0.00001 and 0.00003; ExAC 0.00002.

Submissions (2):

Ambry Genetics
Classification: Uncertain significance for Inborn genetic diseases. Last evaluated: 2025-02-22. Review status: criteria provided, single submitter. Criteria: Ambry Variant Classification Scheme 2023. Collection method: clinical testing. Allele origin: germline.

Labcorp Genetics (formerly Invitae), Labcorp
Classification: Uncertain significance for Glycogen storage disease IXc. Last evaluated: 2021-08-27. Review status: criteria provided, single submitter. Criteria: Invitae Variant Classification Sherloc (09022015). Collection method: clinical testing. Allele origin: germline.
Comment: This sequence change replaces glutamic acid with lysine at codon 72 of the PHKG2 protein (p.Glu72Lys). The glutamic acid residue is moderately conserved and there is a small physicochemical difference between glutamic acid and lysine. This variant is present in population databases (rs753644625, ExAC 0.009%). This variant has not been reported in the literature in individuals affected with PHKG2-related conditions. Algorithms developed to predict the effect of missense changes on protein structure and function are either unavailable or do not agree on the potential impact of this missense change (SIFT: "Deleterious"; PolyPhen-2: "Benign"; Align-GVGD: "Class C0"). In summary, the available evidence is currently insufficient to determine the role of this variant in disease. Therefore, it has been classified as a Variant of Uncertain Significance.

NM_000294.3(PHKG2):c.214G>A (p.Glu72Lys)

Gene: PHKG2 (phosphorylase kinase catalytic subunit gamma 2; plus strand). Cytogenetic location: 16p11.2.
Variant type: single nucleotide variant.
Coding change: c.214G>A on transcript NM_000294.3 (MANE Select); coding-DNA position 214, G replaced by A.
Protein change: p.Glu72Lys; replaces glutamic acid 72 with lysine.
Molecular consequence: missense variant.
Genome position (GRCh38, 1-based): chr16:30,751,224, G>A. VCF-style: chr16-30751224-G-A. GRCh37 (hg19) VCF-style: chr16-30762545-G-A.
Other names: c.214G>A, p.Glu72Lys (NM_001172432.2); short protein forms E72K.
Identifiers: ClinVar variation 538170 (VCV000538170.7), dbSNP rs753644625, ClinGen allele CA8013056.